The following is an entry in ClinVar:

ClinVar aggregate classification (germline): Uncertain significance. Review status: criteria provided, multiple submitters, no conflicts (2 of 4 stars). 4 submissions from 4 submitters: Uncertain significance (4). Last evaluated 2026-06-24.

Conditions:
CEP250-related disorder. Also called: CEP250-related condition.

Allele frequency attached by ClinVar (database versions not stated): ExAC 0.00001; TOPMed 0.00001; gnomAD exomes 0.00002; gnomAD 0.00007 and 0.00008; ESP Exome Variant Server 0.00008.
gnomAD v4.1: 48 of 1,609,208 alleles (0.003%); highest among the groups gnomAD compares: Non-Finnish European, 0.0038%; no homozygotes.

Submissions (4):

PreventionGenetics, part of Exact Sciences
Classification: Uncertain significance for CEP250-related condition. Last evaluated: 2026-06-24. Review status: criteria provided, single submitter. Criteria: ACMG Guidelines, 2015. Collection method: clinical testing. Allele origin: germline.
Comment: The CEP250 c.305G>A variant is predicted to result in the amino acid substitution p.Arg102Gln. To our knowledge, this variant has not been reported in the literature. This variant is reported in 0.0095% of alleles in individuals of European (Non-Finnish) descent in gnomAD. At this time, the clinical significance of this variant is uncertain due to the absence of conclusive functional and genetic evidence.

Ambry Genetics
Classification: Uncertain significance. Last evaluated: 2025-05-17. Review status: criteria provided, single submitter. Criteria: Ambry Variant Classification Scheme 2023. Collection method: clinical testing. Allele origin: germline.

Labcorp Genetics (formerly Invitae), Labcorp
Classification: Uncertain significance. Last evaluated: 2022-09-06. Review status: criteria provided, single submitter. Criteria: Invitae Variant Classification Sherloc (09022015). Collection method: clinical testing. Allele origin: germline.
Comment: In summary, the available evidence is currently insufficient to determine the role of this variant in disease. Therefore, it has been classified as a Variant of Uncertain Significance. Algorithms developed to predict the effect of missense changes on protein structure and function are either unavailable or do not agree on the potential impact of this missense change (SIFT: "Not Available"; PolyPhen-2: "Benign"; Align-GVGD: "Not Available"). ClinVar contains an entry for this variant (Variation ID: 937192). This variant has not been reported in the literature in individuals affected with CEP250-related conditions. The frequency data for this variant in the population databases is considered unreliable, as metrics indicate poor data quality at this position in the gnomAD database. This sequence change replaces arginine, which is basic and polar, with glutamine, which is neutral and polar, at codon 102 of the CEP250 protein (p.Arg102Gln).

Blueprint Genetics
Classification: Uncertain significance. Last evaluated: 2021-10-07. Review status: criteria provided, single submitter. Criteria: ACMG Guidelines, 2015. Collection method: clinical testing. Allele origin: germline.

NM_007186.6(CEP250):c.305G>A (p.Arg102Gln)

Gene: CEP250 (centrosomal protein 250; plus strand). Cytogenetic location: 20q11.22.
Variant type: single nucleotide variant.
Coding change: c.305G>A on transcript NM_007186.6 (MANE Select); coding-DNA position 305, G replaced by A.
Protein change: p.Arg102Gln; replaces arginine 102 with glutamine.
Molecular consequence: missense variant. On other transcripts: 5 prime UTR variant (1).
Genome position (GRCh38, 1-based): chr20:35,465,804, G>A. VCF-style: chr20-35465804-G-A. GRCh37 (hg19) VCF-style: chr20-34053629-G-A.
Other names: c.-1595G>A (NM_001318219.1); c.305G>A (NM_007186.3); short protein forms R102Q.
Identifiers: ClinVar variation 937192 (VCV000937192.10), dbSNP rs367689090, ClinGen allele CA9832579.
Genomic context (GRCh38, chr20:35,465,804, plus strand): 5'-GACCAATCCCCCAGAGGTGGGAAAATGTGGAGGAGCCAAACCTGGATGAGCTGCTGGTCC[G>A]ATTGGAGGAGGAGCAACAGAGGTGATGGACCCCAAACTTTCTGACCTGGGTGATTGGCCA-3'
Protein context (NP_009117.2, residues 92-112): EEPNLDELLV[Arg102Gln]LEEEQQRCES